The following is an entry in ClinVar:

NM_000350.3(ABCA4):c.6479+163C>G

Gene: ABCA4 (ATP binding cassette subfamily A member 4; minus strand). Cytogenetic location: 1p22.1.
Variant type: single nucleotide variant.
Coding change: c.6479+163C>G on transcript NM_000350.3 (MANE Select); 163 bases into the intron after coding-DNA position 6479, C replaced by G.
Molecular consequence: intron variant.
Genome position (GRCh38, 1-based): chr1:94,000,673, G>C on the plus strand (C>G on the coding strand, the complement: ABCA4 is on the minus strand). VCF-style: chr1-94000673-G-C. GRCh37 (hg19) VCF-style: chr1-94466229-G-C.
Identifiers: ClinVar variation 1706896 (VCV001706896.2), dbSNP rs111998477, ClinGen allele CA26831282.
Genomic context (GRCh38, chr1:94,000,673, plus strand): 5'-CTTGGGCGAGTCTTCGACCACAGGAAATTAGGCCAATATAGAGGAGTTTCTTATCAGCAT[G>C]ATGGCCTTCTCCATCTGCTGCTGGAGAATGAGGCCCAGCCACCACCTGCCTCTGCCCCAG-3'

ClinVar aggregate classification (germline): Likely benign (1 of 4 stars; one submission).

Allele frequency attached by ClinVar (database versions not stated): gnomAD 0.00805; 1000 Genomes Project 0.00819; 1000 Genomes Project 30x 0.00859; TOPMed 0.00869.
gnomAD v4.1: 1,209 of 152,288 alleles (0.79%); highest among the groups gnomAD compares: African/African-American, 2.8%; 19 homozygotes.

Submission:

GeneDx
Classification: Likely benign. Last evaluated: 2019-02-18. Review status: criteria provided, single submitter. Criteria: GeneDx Variant Classification Process June 2021. Collection method: clinical testing. Allele origin: germline. Affected: yes.
Comment: See Variant Classification Assertion Criteria.